The following is an entry in ClinVar:

ClinVar aggregate classification (germline): Uncertain significance. Review status: criteria provided, multiple submitters, no conflicts (2 of 4 stars). 2 submissions from 2 submitters: Uncertain significance (2). Last evaluated 2025-08-28.

Allele frequency attached by ClinVar (database versions not stated): gnomAD 0.00001; gnomAD exomes 0.00002; TOPMed 0.00002.
gnomAD v4.1: 23 of 1,601,904 alleles (0.0014%); highest among the groups gnomAD compares: Non-Finnish European, 0.0018%; no homozygotes.

Submissions (2):

Ambry Genetics
Classification: Uncertain significance. Last evaluated: 2025-08-28. Review status: criteria provided, single submitter. Criteria: Ambry Variant Classification Scheme 2023. Collection method: clinical testing. Allele origin: germline.

Labcorp Genetics (formerly Invitae), Labcorp
Classification: Uncertain significance. Last evaluated: 2021-12-02. Review status: criteria provided, single submitter. Criteria: Invitae Variant Classification Sherloc (09022015). Collection method: clinical testing. Allele origin: germline.
Comment: This sequence change replaces asparagine, which is neutral and polar, with lysine, which is basic and polar, at codon 131 of the RPS6KC1 protein (p.Asn131Lys). This variant is not present in population databases (gnomAD no frequency). This variant has not been reported in the literature in individuals affected with RPS6KC1-related conditions. Algorithms developed to predict the effect of missense changes on protein structure and function (SIFT, PolyPhen-2, Align-GVGD) all suggest that this variant is likely to be tolerated. In summary, the available evidence is currently insufficient to determine the role of this variant in disease. Therefore, it has been classified as a Variant of Uncertain Significance.

NM_012424.6(RPS6KC1):c.393T>G (p.Asn131Lys)

Gene: RPS6KC1 (ribosomal protein S6 kinase C1; plus strand). Cytogenetic location: 1q32.3.
Variant type: single nucleotide variant.
Coding change: c.393T>G on transcript NM_012424.6 (MANE Select); coding-DNA position 393, T replaced by G.
Protein change: p.Asn131Lys; replaces asparagine 131 with lysine.
Molecular consequence: missense variant. On other transcripts: 5 prime UTR variant (24), non-coding transcript variant (3), intron variant (3).
Genome position (GRCh38, 1-based): chr1:213,117,331, T>G. VCF-style: chr1-213117331-T-G. GRCh37 (hg19) VCF-style: chr1-213290673-T-G.
Other names: c.357T>G, p.Asn119Lys (NM_001136138.4); c.-229T>G (NM_001287218.3, NM_001349650.2, NM_001349653.2 and 1 more transcripts); c.-151T>G (NM_001287219.3, NM_001287221.3, NM_001349648.2 and 1 more transcripts); c.-822T>G (NM_001287220.3, NM_001349666.2, NM_001349667.2 and 1 more transcripts); c.393T>G, p.Asn131Lys (NM_001349646.2, NM_001349647.2); c.-350T>G (NM_001349651.2); c.-300T>G (NM_001349652.2); c.-136T>G (NM_001349658.2); and 10 more; short protein forms N119K, N131K.
Identifiers: ClinVar variation 1464035 (VCV001464035.7), dbSNP rs763607331, ClinGen allele CA36919515.